The following is an entry in ClinVar:

NC_000017.10:g.(?_17116969)_(17140502_?)del

Gene: FLCN (folliculin; minus strand). Cytogenetic location: 17p11.2.
Variant type: Deletion.
Identifiers: ClinVar variation 1075238 (VCV001075238.2).

ClinVar aggregate classification (germline): Pathogenic (1 of 4 stars; one submission).

Conditions:
Birt-Hogg-Dube syndrome. Also called: Birt Hogg Dubé syndrome. Identifiers: Orphanet 122, MedGen C0346010, MONDO:0800444.

Submission:

Labcorp Genetics (formerly Invitae), Labcorp
Classification: Pathogenic for Birt-Hogg-Dube syndrome. Last evaluated: 2022-10-24. Review status: criteria provided, single submitter. Criteria: Invitae Variant Classification Sherloc (09022015). Collection method: clinical testing. Allele origin: germline.
Comment: A gross deletion of the genomic region encompassing the full coding sequence of the FLCN gene has been identified. Loss-of-function variants in FLCN are known to be pathogenic (PMID: 15852235). The boundaries of this event are unknown as they extend beyond the assayed region for this gene and therefore may encompass additional genes. This variant has not been reported in the literature in individuals affected with FLCN-related conditions. For these reasons, this variant has been classified as Pathogenic.

Literature cited by the submitters: PubMed 15852235.